The following is an entry in ClinVar:

NM_000138.5(FBN1):c.3824T>C (p.Met1275Thr)

Gene: FBN1 (fibrillin 1; minus strand). Cytogenetic location: 15q21.1.
Variant type: single nucleotide variant.
Coding change: c.3824T>C on transcript NM_000138.5 (MANE Select); coding-DNA position 3824, T replaced by C.
Protein change: p.Met1275Thr; replaces methionine 1275 with threonine.
Molecular consequence: missense variant.
Genome position (GRCh38, 1-based): chr15:48,483,832, A>G on the plus strand (T>C on the coding strand, the complement: FBN1 is on the minus strand). VCF-style: chr15-48483832-A-G. GRCh37 (hg19) VCF-style: chr15-48776029-A-G.
Other names: c.3824T>C, p.Met1275Thr (NM_001406716.1); short protein forms M1275T.
Identifiers: ClinVar variation 3071741 (VCV003071741.1), dbSNP rs2505540674, ClinGen allele CA392323608.

ClinVar aggregate classification (germline): Uncertain significance (1 of 4 stars; one submission).

Conditions:
Marfan syndrome (MFS). Also called: MARFAN SYNDROME, TYPE I; Marfan syndrome type 1; Marfan's syndrome; Marfan syndrome, classic; FBN1-Related Marfan Syndrome. Identifiers: Orphanet 284963, Orphanet 558, MedGen C0024796, MONDO:0007947, OMIM 154700.

Submission:

All of Us Research Program, National Institutes of Health
Classification: Uncertain significance for Marfan syndrome. Last evaluated: 2023-06-28. Review status: criteria provided, single submitter. Criteria: ACMG Guidelines, 2015. Collection method: clinical testing. Allele origin: germline. Inheritance: Autosomal dominant inheritance. Observed: 1 variant allele, 1 heterozygote.
Comment: This study involves interpretation of variants in research participants for the purpose of population health screening. Participant phenotype was not available at the time of variant classification. Additional details can be found in publication PMID: 35346344, PMCID: PMC8962531